The following is an entry in ClinVar:

NM_013335.4(GMPPA):c.824A>G (p.Lys275Arg)

Genes: ASIC4-AS1 (ASIC4 antisense RNA 1; minus strand), GMPPA (GDP-mannose pyrophosphorylase A; plus strand). Cytogenetic location: 2q35.
Variant type: single nucleotide variant.
Coding change: c.824A>G on transcript NM_013335.4 (MANE Select); coding-DNA position 824, A replaced by G.
Protein change: p.Lys275Arg; replaces lysine 275 with arginine.
Molecular consequence: missense variant.
Genome position (GRCh38, 1-based): chr2:219,505,526, A>G. VCF-style: chr2-219505526-A-G. GRCh37 (hg19) VCF-style: chr2-220370248-A-G.
Other names: p.Lys275Arg; c.824A>G, p.Lys275Arg (NM_001374294.1, NM_001374295.1, NM_001438893.1 and 3 more transcripts); short protein forms K275R.
Identifiers: ClinVar variation 4540812 (VCV004540812.1).
Genomic context (GRCh38, chr2:219,505,526, plus strand): 5'-TCTACGCCTCCCGCCTCTACCTGAGCCGATACCAGGACACTCACCCAGAACGGCTGGCCA[A>G]GCACACCCCAGGGGGCCCATGGATCCGAGGTACCCAGCCTGCCCCAATTCCTAACCTTTG-3'
Protein context (NP_037467.2, residues 265-285): YQDTHPERLA[Lys275Arg]HTPGGPWIRG

ClinVar aggregate classification (germline): Uncertain significance (1 of 4 stars; one submission).

Submission:

Mayo Clinic Laboratories, Mayo Clinic
Classification: Uncertain significance. Last evaluated: 2025-08-27. Review status: criteria provided, single submitter. Criteria: ACMG Guidelines, 2015. Collection method: clinical testing. Allele origin: germline. Observed: 1 variant allele.
Comment: BP4_moderate, PM2_supporting